The following is an entry in ClinVar:

ClinVar aggregate classification (germline): Uncertain significance (1 of 4 stars; one submission).

Conditions:
Cutis laxa, autosomal recessive, type 1B (ARCL1B). Also called: EFEMP2-Related Cutis Laxa; CUTIS LAXA, AUTOSOMAL RECESSIVE, TYPE IB. Identifiers: Orphanet 90349, MedGen C3280798, MONDO:0013754, OMIM 614437. Disease mechanism: loss of function.

Submission:

Labcorp Genetics (formerly Invitae), Labcorp
Classification: Uncertain significance for Cutis laxa, autosomal recessive, type 1B. Last evaluated: 2024-11-29. Review status: criteria provided, single submitter. Criteria: Invitae Variant Classification Sherloc (09022015). Collection method: clinical testing. Allele origin: germline.
Comment: This sequence change replaces glutamine, which is neutral and polar, with histidine, which is basic and polar, at codon 230 of the EFEMP2 protein (p.Gln230His). This variant is not present in population databases (gnomAD no frequency). This variant has not been reported in the literature in individuals affected with EFEMP2-related conditions. Invitae Evidence Modeling of protein sequence and biophysical properties (such as structural, functional, and spatial information, amino acid conservation, physicochemical variation, residue mobility, and thermodynamic stability) has been performed for this missense variant. However, the output from this modeling did not meet the statistical confidence thresholds required to predict the impact of this variant on EFEMP2 protein function. In summary, the available evidence is currently insufficient to determine the role of this variant in disease. Therefore, it has been classified as a Variant of Uncertain Significance.

NM_016938.5(EFEMP2):c.690G>C (p.Gln230His)

Gene: EFEMP2 (EGF-like fibulin extracellular matrix protein 2; minus strand). Cytogenetic location: 11q13.1.
Variant type: single nucleotide variant.
Coding change: c.690G>C on transcript NM_016938.5 (MANE Select); coding-DNA position 690, G replaced by C.
Protein change: p.Gln230His; replaces glutamine 230 with histidine.
Molecular consequence: missense variant. On other transcripts: non-coding transcript variant (1).
Genome position (GRCh38, 1-based): chr11:65,869,894, C>G on the plus strand (G>C on the coding strand, the complement: EFEMP2 is on the minus strand). VCF-style: chr11-65869894-C-G. GRCh37 (hg19) VCF-style: chr11-65637365-C-G.
Other names: short protein forms Q230H.
Identifiers: ClinVar variation 3720355 (VCV003720355.2).